The following is an entry in ClinVar:

NM_001127222.2(CACNA1A):c.1876G>A (p.Val626Ile)

Gene: CACNA1A (calcium voltage-gated channel subunit alpha1 A; minus strand). Cytogenetic location: 19p13.13.
Variant type: single nucleotide variant.
Coding change: c.1876G>A on transcript NM_001127222.2 (MANE Select); coding-DNA position 1876, G replaced by A.
Protein change: p.Val626Ile; replaces valine 626 with isoleucine.
Molecular consequence: missense variant.
Genome position (GRCh38, 1-based): chr19:13,308,157, C>T on the plus strand (G>A on the coding strand, the complement: CACNA1A is on the minus strand). VCF-style: chr19-13308157-C-T. GRCh37 (hg19) VCF-style: chr19-13418971-C-T.
Other names: c.1879G>A, p.Val627Ile (NM_001174080.2, NM_023035.3, NM_000068.4 and 1 more transcripts); short protein forms V627I, V626I.
Identifiers: ClinVar variation 808477 (VCV000808477.51), dbSNP rs1346036017, ClinGen allele CA404344790.
Genomic context (GRCh38, chr19:13,308,157, plus strand): 5'-TGGAATTCCTGTGAAGGACTTACTGGCCGCCGAAGAGTTGCATTCCCAAAAGGGCGAAGA[C>T]GACAATGAACAGGAAAAGGAGAAACAACAGGCTGATGATGGACTTCATGGAGTTGAGGAG-3'
Protein context (NP_001120694.1, residues 616-636): LLFLLFLFIV[Val626Ile]FALLGMQLFG

ClinVar aggregate classification (germline): Conflicting classifications of pathogenicity. Review status: criteria provided, conflicting classifications (1 of 4 stars). 5 submissions from 5 submitters: Uncertain significance (4); Likely benign (1). Last evaluated 2023-07-18.

Conditions:
Inborn genetic diseases. Identifiers: MedGen C0950123, MeSH D030342.
Episodic ataxia type 2 (EA2). Also called: ATAXIA, EPISODIC, WITH NYSTAGMUS; ATAXIA, FAMILIAL PAROXYSMAL; CEREBELLAR ATAXIA, PAROXYSMAL, ACETAZOLAMIDE-RESPONSIVE; CEREBELLOPATHY, HEREDITARY PAROXYSMAL; EPISODIC ATAXIA, NYSTAGMUS-ASSOCIATED; ACETAZOLAMIDE-RESPONSIVE HEREDITARY PAROXYSMAL CEREBELLAR ATAXIA. Identifiers: Orphanet 97, MedGen C1720416, MONDO:0007163, OMIM 108500.
Developmental and epileptic encephalopathy, 42 (DEE42A). Also called: Epileptic encephalopathy, early infantile, 42; DEVELOPMENTAL AND EPILEPTIC ENCEPHALOPATHY 42A; EPILEPTIC ENCEPHALOPATHY, EARLY INFANTILE, 42A. Identifiers: MedGen C4310716, MONDO:0014917, OMIM 617106.

Allele frequency attached by ClinVar (database versions not stated): gnomAD below 0.00001 and 0.00001; gnomAD exomes below 0.00001 and 0.00001.
gnomAD v4.1: 7 of 1,613,786 alleles (0.00043%); highest among the groups gnomAD compares: South Asian, 0.0033%; no homozygotes.

Submissions (5):

Intergen Genetics and Rare Diseases Diagnosis Center
Classification: Uncertain significance for Developmental and epileptic encephalopathy, 42. Last evaluated: 2023-07-18. Review status: criteria provided, single submitter. Criteria: ACMG Guidelines, 2015. Collection method: clinical testing. Allele origin: unknown. Inheritance: Autosomal dominant inheritance.

Labcorp Genetics (formerly Invitae), Labcorp
Classification: Likely benign for Developmental and epileptic encephalopathy, 42; Episodic ataxia type 2. Last evaluated: 2023-07-07. Review status: criteria provided, single submitter. Criteria: Invitae Variant Classification Sherloc (09022015). Collection method: clinical testing. Allele origin: germline.

GeneDx
Classification: Uncertain significance. Last evaluated: 2022-04-04. Review status: criteria provided, single submitter. Criteria: GeneDx Variant Classification Process June 2021. Collection method: clinical testing. Allele origin: germline. Affected: yes.
Comment: In silico analysis supports that this missense variant does not alter protein structure/function; Has not been previously published as pathogenic or benign to our knowledge

CeGaT Center for Human Genetics Tuebingen
Classification: Uncertain significance. Last evaluated: 2019-02-01. Review status: criteria provided, single submitter. Criteria: CeGaT Center For Human Genetics Tuebingen Variant Classification Criteria Version 2. Collection method: clinical testing. Allele origin: germline. Affected: yes. Observed: 3 variant alleles.

Ambry Genetics
Classification: Uncertain significance for Inborn genetic diseases. Last evaluated: 2018-04-02. Review status: criteria provided, single submitter. Criteria: Ambry Variant Classification Scheme 2023. Collection method: clinical testing. Allele origin: germline.
Comment: The p.V627I variant (also known as c.1879G>A), located in coding exon 14 of the CACNA1A gene, results from a G to A substitution at nucleotide position 1879. The valine at codon 627 is replaced by isoleucine, an amino acid with highly similar properties. This amino acid position is highly conserved in available vertebrate species. In addition, this alteration is predicted to be deleterious by in silico analysis. Since supporting evidence is limited at this time, the clinical significance of this alteration remains unclear.